The following is an entry in ClinVar:

NM_000090.4(COL3A1):c.3556C>T (p.Pro1186Ser)

Gene: COL3A1 (collagen type III alpha 1 chain; plus strand). Cytogenetic location: 2q32.2.
Variant type: single nucleotide variant.
Coding change: c.3556C>T on transcript NM_000090.4 (MANE Select); coding-DNA position 3556, C replaced by T.
Protein change: p.Pro1186Ser; replaces proline 1186 with serine.
Molecular consequence: missense variant.
Genome position (GRCh38, 1-based): chr2:189,008,954, C>T. VCF-style: chr2-189008954-C-T. GRCh37 (hg19) VCF-style: chr2-189873680-C-T.
Other names: short protein forms P1186S.
Identifiers: ClinVar variation 5034750 (VCV005034750.1).

ClinVar aggregate classification (germline): Uncertain significance (1 of 4 stars; one submission).

Conditions:
Familial thoracic aortic aneurysm and aortic dissection (TAAD). Also called: Thoracic aortic aneurysms and dissections. Identifiers: Orphanet 91387, MedGen C4707243, MONDO:0019625.

gnomAD v4.1: 1 of 1,614,102 alleles (0.000062%); highest among the groups gnomAD compares: South Asian, 0.0011%; no homozygotes.

Submission:

Ambry Genetics
Classification: Uncertain significance for Familial thoracic aortic aneurysm and aortic dissection. Last evaluated: 2026-07-01. Review status: criteria provided, single submitter. Criteria: Ambry Variant Classification Scheme 2023. Collection method: clinical testing. Allele origin: germline.
Comment: The p.P1186S variant (also known as c.3556C>T), located in coding exon 48 of the COL3A1 gene, results from a C to T substitution at nucleotide position 3556. The proline at codon 1186 is replaced by serine, an amino acid with similar properties. This amino acid position is conserved. In addition, the in silico prediction for this alteration is inconclusive. Based on the available evidence, the clinical significance of this variant remains unclear.